The following is an entry in ClinVar:

ClinVar aggregate classification (germline): Pathogenic (1 of 4 stars; one submission).

Conditions:
Fanconi anemia (FA). Also called: Fanconi's anemia. Identifiers: Orphanet 84, MedGen C0015625, MeSH D005199, MONDO:0019391.

Submission:

Labcorp Genetics (formerly Invitae), Labcorp
Classification: Pathogenic for Fanconi anemia. Last evaluated: 2023-10-17. Review status: criteria provided, single submitter. Criteria: Invitae Variant Classification Sherloc (09022015). Collection method: clinical testing. Allele origin: germline.
Comment: This sequence change creates a premature translational stop signal (p.Leu946*) in the FANCD2 gene. It is expected to result in an absent or disrupted protein product. Loss-of-function variants in FANCD2 are known to be pathogenic (PMID: 17436244). This variant is not present in population databases (gnomAD no frequency). This variant has not been reported in the literature in individuals affected with FANCD2-related conditions. For these reasons, this variant has been classified as Pathogenic.

Literature cited by the submitters: PubMed 17436244.

NM_001018115.3(FANCD2):c.2837T>G (p.Leu946Ter)

Genes: FANCD2 (FA complementation group D2; plus strand), LOC107303338 (3p25 FANCD2 Alu-mediated recombination region; plus strand). Cytogenetic location: 3p25.3.
Variant type: single nucleotide variant.
Coding change: c.2837T>G on transcript NM_001018115.3 (MANE Select); coding-DNA position 2837, T replaced by G.
Protein change: p.Leu946Ter; replaces leucine 946 with a stop codon.
Molecular consequence: nonsense.
Genome position (GRCh38, 1-based): chr3:10,074,651, T>G. VCF-style: chr3-10074651-T-G. GRCh37 (hg19) VCF-style: chr3-10116335-T-G.
Other names: c.2837T>G, p.Leu946Ter (NM_001319984.2, NM_001374254.1, NM_033084.6); c.2726T>G, p.Leu909Ter (NM_001374253.1); short protein forms L909*, L946*.
Identifiers: ClinVar variation 2769343 (VCV002769343.3), dbSNP rs2469997346, ClinGen allele CA351744632.